The following is an entry in ClinVar:

NM_000143.4(FH):c.1298_1340dup (p.Met449fs)

Gene: FH (fumarate hydratase; minus strand). Cytogenetic location: 1q43.
Variant type: Duplication.
Coding change: c.1298_1340dup on transcript NM_000143.4 (MANE Select); coding-DNA positions 1298 to 1340, 43 bases duplicated.
Protein change: p.Met449fs; shifts the reading frame from methionine 449.
Molecular consequence: frameshift variant.
Genome position (GRCh38, 1-based): chr1:241,500,487-241,500,529, 43 bases duplicated; duplicating any 43 consecutive bases within chr1:241,500,487-241,500,531 gives the same sequence; the c. name uses the placement nearest the transcript's 3' end. GRCh37 (hg19): chr1:241,663,789-241,663,831.
Other names: short protein forms M449fs.
Identifiers: ClinVar variation 393581 (VCV000393581.1), dbSNP rs1553340681, ClinGen allele CA16609360.

ClinVar aggregate classification (germline): Pathogenic (1 of 4 stars; one submission).

Conditions:
Hereditary leiomyomatosis and renal cell cancer. Also called: LEIOMYOMA, MULTIPLE CUTANEOUS; MULTIPLE CUTANEOUS AND UTERINE LEIOMYOMATA 1, WITH OR WITHOUT RENAL CELL CARCINOMA; Reed syndrome; Multiple cutaneous and uterine leiomyomatosis; Cutaneous leiomyomata with uterine leiomyomata; Leiomyoma, hereditary multiple, of skin. Identifiers: Orphanet 523, MedGen C1708350, MONDO:0007888, OMIM 150800, HP:0007437. Disease mechanism: loss of function.

Submission:

Genomic Diagnostic Laboratory, Division of Genomic Diagnostics, Children's Hospital of Philadelphia
Classification: Pathogenic for Hereditary leiomyomatosis and renal cell cancer. Last evaluated: 2017-01-17. Review status: criteria provided, single submitter. Criteria: DGD Variant Analysis Guidelines. Collection method: clinical testing. Allele origin: germline. Affected: yes. Observed: 1 variant allele.
Comment: Clinical Testing